The following is an entry in ClinVar:

ClinVar aggregate classification (germline): Uncertain significance (1 of 4 stars; one submission).

Submission:

Labcorp Genetics (formerly Invitae), Labcorp
Classification: Uncertain significance. Last evaluated: 2023-07-07. Review status: criteria provided, single submitter. Criteria: Invitae Variant Classification Sherloc (09022015). Collection method: clinical testing. Allele origin: germline.
Comment: This variant is present in population databases (rs770710498, gnomAD 0.03%). This sequence change creates a premature translational stop signal (p.Lys487Asnfs*8) in the DTHD1 gene. While this is not anticipated to result in nonsense mediated decay, it is expected to disrupt the last 130 amino acid(s) of the DTHD1 protein. This variant has not been reported in the literature in individuals affected with DTHD1-related conditions. In summary, the available evidence is currently insufficient to determine the role of this variant in disease. Therefore, it has been classified as a Variant of Uncertain Significance. ClinVar contains an entry for this variant (Variation ID: 862203).

NM_001170700.3(DTHD1):c.2331del (p.Lys777fs)

Gene: DTHD1 (death domain containing 1; plus strand). Cytogenetic location: 4p14.
Variant type: Deletion.
Coding change: c.2331del on transcript NM_001170700.3 (MANE Select); coding-DNA position 2331, one base deleted (A; older notation c.2331delA).
Protein change: p.Lys777fs; shifts the reading frame from lysine 777.
Molecular consequence: frameshift variant. On other transcripts: non-coding transcript variant (2).
Genome position (GRCh38, 1-based): chr4:36,316,477, A deleted; the last of 3 consecutive A bases (chr4:36,316,475-36,316,477); deleting any one gives the same sequence. VCF-style (leftmost placement, unchanged base first): chr4-36316474-GA-G. GRCh37 (hg19) VCF-style: chr4-36318096-GA-G.
Other names: c.1461del, p.Lys487fs (NM_001136536.5); c.1398del, p.Lys466fs (NM_001378435.1); short protein forms K487fs, K466fs, K777fs.
Identifiers: ClinVar variation 862203 (VCV000862203.7), dbSNP rs770710498, ClinGen allele CA2885725.